The following is an entry in ClinVar:

ClinVar aggregate classification (germline): Likely benign. Review status: criteria provided, multiple submitters, no conflicts (2 of 4 stars). 3 submissions from 3 submitters: Likely benign (3). Last evaluated 2025-11-10.

Conditions:
Erythrocytosis, familial, 4 (ECYT4). Identifiers: Orphanet 247511, MedGen C2673187, MONDO:0012729, OMIM 611783.

Allele frequency attached by ClinVar (database versions not stated): TOPMed 0.00015; gnomAD 0.00016 and 0.00017; ESP Exome Variant Server 0.00023; gnomAD exomes 0.00027; ExAC 0.00034; 1000 Genomes Project 0.00040; 1000 Genomes Project 30x 0.00047.
gnomAD v4.1: 453 of 1,598,824 alleles (0.028%); highest among the groups gnomAD compares: Admixed American, 0.039%; no homozygotes.

Submissions (3):

Labcorp Genetics (formerly Invitae), Labcorp
Classification: Likely benign. Last evaluated: 2025-11-10. Review status: criteria provided, single submitter. Criteria: Invitae Variant Classification Sherloc (09022015). Collection method: clinical testing. Allele origin: germline.

Blueprint Genetics
Classification: Likely benign. Last evaluated: 2024-11-20. Review status: criteria provided, single submitter. Criteria: ACMG Guidelines, 2015. Collection method: clinical testing. Allele origin: germline.

Illumina Laboratory Services, Illumina
Classification: Likely benign for Erythrocytosis, familial, 4. Last evaluated: 2018-01-13. Review status: criteria provided, single submitter. Criteria: ICSL Variant Classification Criteria 13 December 2019. Collection method: clinical testing. Allele origin: germline.
Comment: This variant was observed in the ICSL laboratory as part of a predisposition screen in an ostensibly healthy population. It had not been previously curated by ICSL or reported in the Human Gene Mutation Database (HGMD: prior to June 1st, 2018), and was therefore a candidate for classification through an automated scoring system. Utilizing variant allele frequency, disease prevalence and penetrance estimates, and inheritance mode, an automated score was calculated to assess if this variant is too frequent to cause the disease. Based on the score and internal cut-off values, a variant classified as likely benign is not then subjected to further curation. The score for this variant resulted in a classification of likely benign for this disease.

NM_001430.5(EPAS1):c.886+12G>A

Gene: EPAS1 (endothelial PAS domain protein 1; plus strand). Cytogenetic location: 2p21.
Variant type: single nucleotide variant.
Coding change: c.886+12G>A on transcript NM_001430.5 (MANE Select); 12 bases into the intron after coding-DNA position 886, G replaced by A.
Molecular consequence: intron variant.
Genome position (GRCh38, 1-based): chr2:46,369,945, G>A. VCF-style: chr2-46369945-G-A. GRCh37 (hg19) VCF-style: chr2-46597084-G-A.
Identifiers: ClinVar variation 896137 (VCV000896137.8), dbSNP rs369745324, ClinGen allele CA1644800.